The following is an entry in ClinVar:

NM_015378.4(VPS13D):c.7606G>A (p.Val2536Ile)

Gene: VPS13D (vacuolar protein sorting 13 homolog D; plus strand). Cytogenetic location: 1p36.22.
Variant type: single nucleotide variant.
Coding change: c.7606G>A on transcript NM_015378.4 (MANE Select); coding-DNA position 7606, G replaced by A.
Protein change: p.Val2536Ile; replaces valine 2536 with isoleucine.
Molecular consequence: missense variant.
Genome position (GRCh38, 1-based): chr1:12,321,866, G>A. VCF-style: chr1-12321866-G-A. GRCh37 (hg19) VCF-style: chr1-12381923-G-A.
Other names: c.7606G>A (NM_015378.2); c.7606G>A, p.Val2536Ile (NM_018156.4); short protein forms V2536I.
Identifiers: ClinVar variation 4699131 (VCV004699131.2).

ClinVar aggregate classification (germline): Uncertain significance. Review status: criteria provided, multiple submitters, no conflicts (2 of 4 stars). 2 submissions from 2 submitters: Uncertain significance (2). Last evaluated 2026-06-10.

Conditions:
Inborn genetic diseases. Identifiers: MedGen C0950123, MeSH D030342.

gnomAD v4.1: 5 of 1,612,908 alleles (0.00031%); highest among the groups gnomAD compares: Admixed American, 0.0017%; no homozygotes.

Submissions (2):

Ambry Genetics
Classification: Uncertain significance for Inborn genetic diseases. Last evaluated: 2026-06-10. Review status: criteria provided, single submitter. Criteria: Ambry Variant Classification Scheme 2023. Collection method: clinical testing. Allele origin: germline.

Labcorp Genetics (formerly Invitae), Labcorp
Classification: Uncertain significance. Last evaluated: 2025-04-02. Review status: criteria provided, single submitter. Criteria: Invitae Variant Classification Sherloc (09022015). Collection method: clinical testing. Allele origin: germline.
Comment: This sequence change replaces valine, which is neutral and non-polar, with isoleucine, which is neutral and non-polar, at codon 2536 of the VPS13D protein (p.Val2536Ile). The frequency data for this variant in the population databases is considered unreliable, as metrics indicate poor data quality at this position in the gnomAD database. This variant has not been reported in the literature in individuals affected with VPS13D-related conditions. Invitae Evidence Modeling of protein sequence and biophysical properties (such as structural, functional, and spatial information, amino acid conservation, physicochemical variation, residue mobility, and thermodynamic stability) indicates that this missense variant is expected to disrupt VPS13D protein function with a positive predictive value of 80%. In summary, the available evidence is currently insufficient to determine the role of this variant in disease. Therefore, it has been classified as a Variant of Uncertain Significance.